The following is an entry in ClinVar:

NM_006397.3(RNASEH2A):c.523G>A (p.Val175Ile)

Gene: RNASEH2A (ribonuclease H2 subunit A; plus strand). Cytogenetic location: 19p13.13.
Variant type: single nucleotide variant.
Coding change: c.523G>A on transcript NM_006397.3 (MANE Select); coding-DNA position 523, G replaced by A.
Protein change: p.Val175Ile; replaces valine 175 with isoleucine.
Molecular consequence: missense variant.
Genome position (GRCh38, 1-based): chr19:12,810,182, G>A. VCF-style: chr19-12810182-G-A. GRCh37 (hg19) VCF-style: chr19-12920996-G-A.
Other names: short protein forms V175I.
Identifiers: ClinVar variation 1990058 (VCV001990058.1), dbSNP rs1232490306, ClinGen allele CA404267056.

ClinVar aggregate classification (germline): Uncertain significance (1 of 4 stars; one submission).

Conditions:
Aicardi-Goutieres syndrome 4. Identifiers: Orphanet 51, MedGen C1835912, MONDO:0012472, OMIM 610333.

Submission:

Labcorp Genetics (formerly Invitae), Labcorp
Classification: Uncertain significance for Aicardi-Goutieres syndrome 4. Last evaluated: 2022-04-24. Review status: criteria provided, single submitter. Criteria: Invitae Variant Classification Sherloc (09022015). Collection method: clinical testing. Allele origin: germline.
Comment: This sequence change replaces valine, which is neutral and non-polar, with isoleucine, which is neutral and non-polar, at codon 175 of the RNASEH2A protein (p.Val175Ile). This variant is not present in population databases (gnomAD no frequency). This variant has not been reported in the literature in individuals affected with RNASEH2A-related conditions. Algorithms developed to predict the effect of missense changes on protein structure and function (SIFT, PolyPhen-2, Align-GVGD) all suggest that this variant is likely to be disruptive. In summary, the available evidence is currently insufficient to determine the role of this variant in disease. Therefore, it has been classified as a Variant of Uncertain Significance.